The following is an entry in ClinVar:

ClinVar aggregate classification (germline): Uncertain significance (1 of 4 stars; one submission).

Conditions:
Deficiency of alpha-mannosidase (MANSA). Also called: Alpha-Mannosidosis; Mannosidosis, alpha-, types I and II; LYSOSOMAL ALPHA-D-MANNOSIDASE DEFICIENCY. Identifiers: Orphanet 61, MedGen C0024748, MONDO:0009561, OMIM 248500.

Submission:

Labcorp Genetics (formerly Invitae), Labcorp
Classification: Uncertain significance for Deficiency of alpha-mannosidase. Last evaluated: 2023-08-17. Review status: criteria provided, single submitter. Criteria: Invitae Variant Classification Sherloc (09022015). Collection method: clinical testing. Allele origin: germline.
Comment: In summary, the available evidence is currently insufficient to determine the role of this variant in disease. Therefore, it has been classified as a Variant of Uncertain Significance. Advanced modeling of protein sequence and biophysical properties (such as structural, functional, and spatial information, amino acid conservation, physicochemical variation, residue mobility, and thermodynamic stability) performed at Invitae indicates that this missense variant is not expected to disrupt MAN2B1 protein function. ClinVar contains an entry for this variant (Variation ID: 1715501). This variant has not been reported in the literature in individuals affected with MAN2B1-related conditions. This variant is not present in population databases (gnomAD no frequency). This sequence change replaces histidine, which is basic and polar, with arginine, which is basic and polar, at codon 679 of the MAN2B1 protein (p.His679Arg).

NM_000528.4(MAN2B1):c.2036A>G (p.His679Arg)

Gene: MAN2B1 (mannosidase alpha class 2B member 1; minus strand). Cytogenetic location: 19p13.13.
Variant type: single nucleotide variant.
Coding change: c.2036A>G on transcript NM_000528.4 (MANE Select); coding-DNA position 2036, A replaced by G.
Protein change: p.His679Arg; replaces histidine 679 with arginine.
Molecular consequence: missense variant.
Genome position (GRCh38, 1-based): chr19:12,652,163, T>C on the plus strand (A>G on the coding strand, the complement: MAN2B1 is on the minus strand). VCF-style: chr19-12652163-T-C. GRCh37 (hg19) VCF-style: chr19-12762977-T-C.
Other names: c.2033A>G, p.His678Arg (NM_001173498.2); short protein forms H678R, H679R.
Identifiers: ClinVar variation 1715501 (VCV001715501.5), dbSNP rs2512492453, ClinGen allele CA404243916.